The following is an entry in ClinVar:

NM_001384140.1(PCDH15):c.1702G>A (p.Ala568Thr)

Gene: PCDH15 (protocadherin related 15; minus strand). Cytogenetic location: 10q21.1.
Variant type: single nucleotide variant.
Coding change: c.1702G>A on transcript NM_001384140.1 (MANE Select); coding-DNA position 1702, G replaced by A.
Protein change: p.Ala568Thr; replaces alanine 568 with threonine.
Molecular consequence: missense variant.
Genome position (GRCh38, 1-based): chr10:54,153,182, C>T on the plus strand (G>A on the coding strand, the complement: PCDH15 is on the minus strand). VCF-style: chr10-54153182-C-T. GRCh37 (hg19) VCF-style: chr10-55912942-C-T.
Other names: c.1717G>A, p.Ala573Thr (NM_001142763.2, NM_001142771.2); c.1702G>A, p.Ala568Thr (NM_001142764.2, NM_001142765.2, NM_001142766.2 and 6 more transcripts); c.1591G>A, p.Ala531Thr (NM_001142767.2); c.1636G>A, p.Ala546Thr (NM_001142768.2, NM_001142773.2, NM_001354404.2); c.1738G>A, p.Ala580Thr (NM_001142769.4); c.1723G>A, p.Ala575Thr (NM_001354411.2); short protein forms A568T, A531T, A575T, A546T, A573T, A580T.
Identifiers: ClinVar variation 46447 (VCV000046447.33), dbSNP rs61730754, ClinGen allele CA138380.

ClinVar aggregate classification (germline): Benign/Likely benign. Review status: criteria provided, multiple submitters, no conflicts (2 of 4 stars). 8 submissions from 8 submitters: Benign (5); Likely benign (1). 2 of the submissions do not count toward it. Last evaluated 2026-01-31.

Conditions:
Usher syndrome type 1 (USH1). Also called: RETINITIS PIGMENTOSA AND CONGENITAL DEAFNESS. Identifiers: Orphanet 231169, Orphanet 886, MedGen C1568247, MONDO:0010168, OMIM 276900.

Allele frequency attached by ClinVar (database versions not stated): gnomAD exomes 0.00169; ExAC 0.00204; gnomAD 0.00571 and 0.00615; TOPMed 0.00609; ESP Exome Variant Server 0.00646; 1000 Genomes Project 0.00739; 1000 Genomes Project 30x 0.00750.
gnomAD v4.1: 1,820 of 1,613,888 alleles (0.11%); highest among the groups gnomAD compares: African/African-American, 2%; 14 homozygotes.

Submissions (8):

Labcorp Genetics (formerly Invitae), Labcorp
Classification: Benign. Last evaluated: 2026-01-31. Review status: criteria provided, single submitter. Criteria: Invitae Variant Classification Sherloc (09022015). Collection method: clinical testing. Allele origin: germline.

ARUP Laboratories, Molecular Genetics and Genomics, ARUP Laboratories
Classification: Benign. Last evaluated: 2019-12-31. Review status: criteria provided, single submitter. Criteria: ARUP Molecular Germline Variant Investigation Process. Collection method: clinical testing. Allele origin: germline.

GeneDx
Classification: Benign. Last evaluated: 2018-11-26. Review status: criteria provided, single submitter. Criteria: GeneDx Variant Classification Process June 2021. Collection method: clinical testing. Allele origin: germline. Affected: yes.

Illumina Laboratory Services, Illumina
Classification: Likely benign for Usher syndrome type 1. Last evaluated: 2018-01-13. Review status: criteria provided, single submitter. Criteria: ICSL Variant Classification Criteria 13 December 2019. Collection method: clinical testing. Allele origin: germline.
Comment: This variant was observed in the ICSL laboratory as part of a predisposition screen in an ostensibly healthy population. It had not been previously curated by ICSL or reported in the Human Gene Mutation Database (HGMD: prior to June 1st, 2018), and was therefore a candidate for classification through an automated scoring system. Utilizing variant allele frequency, disease prevalence and penetrance estimates, and inheritance mode, an automated score was calculated to assess if this variant is too frequent to cause the disease. Based on the score and internal cut-off values, a variant classified as likely benign is not then subjected to further curation. The score for this variant resulted in a classification of likely benign for this disease.

Laboratory for Molecular Medicine, Mass General Brigham Personalized Medicine
Classification: Benign. Last evaluated: 2011-12-07. Review status: criteria provided, single submitter. Criteria: LMM Criteria. Collection method: clinical testing. Allele origin: germline. Observed: 11 variant alleles.
Comment: Ala568Thr in exon 14 of PCDH15: This variant is not expected to have clinical si gnificance because it has been identified in 0.8% (51/6789) of chromosomes from a broad, though clinically and racially unspecified population (dbSNP rs61730754 ).

PreventionGenetics, part of Exact Sciences
Classification: Benign. Review status: criteria provided, single submitter. Criteria: ACMG Guidelines, 2015. Collection method: clinical testing. Allele origin: germline.

Clinical Genetics DNA and cytogenetics Diagnostics Lab, Erasmus MC, Erasmus Medical Center
Classification: Benign. Review status: no assertion criteria provided. Collection method: clinical testing. Allele origin: germline. Affected: yes. Study: VKGL Data-share Consensus. Not counted in ClinVar's aggregate classification.

Clinical Genetics, Academic Medical Center
Classification: Benign. Review status: no assertion criteria provided. Collection method: clinical testing. Allele origin: germline. Affected: yes. Study: VKGL Data-share Consensus. Not counted in ClinVar's aggregate classification.